The following is an entry in ClinVar:

ClinVar aggregate classification (germline): Pathogenic/Likely pathogenic. Review status: criteria provided, multiple submitters, no conflicts (2 of 4 stars). 5 submissions from 5 submitters: Pathogenic (2); Likely pathogenic (3). Last evaluated 2026-01-25.

Conditions:
Wilson disease (WND). Also called: Wilson's disease. Identifiers: Orphanet 905, MedGen C0019202, MONDO:0010200, OMIM 277900. Disease mechanism: loss of function.

Submissions (5):

Labcorp Genetics (formerly Invitae), Labcorp
Classification: Likely pathogenic for Wilson disease. Last evaluated: 2026-01-25. Review status: criteria provided, single submitter. Criteria: Invitae Variant Classification Sherloc (09022015). Collection method: clinical testing. Allele origin: germline.
Comment: This sequence change affects a donor splice site in intron 15 of the ATP7B gene. It is expected to disrupt RNA splicing. Variants that disrupt the donor or acceptor splice site typically lead to a loss of protein function (PMID: 16199547), and loss-of-function variants in ATP7B are known to be pathogenic (PMID: 10441329, 16283883). This variant is not present in population databases (gnomAD no frequency). Disruption of this splice site has been observed in individual(s) with clinical features of Wilson disease and/or Wilson disease (PMID: 17823867, 24094725, 35753512). ClinVar contains an entry for this variant (Variation ID: 992208). Algorithms developed to predict the effect of sequence changes on RNA splicing suggest that this variant may disrupt the consensus splice site. In summary, the currently available evidence indicates that the variant is pathogenic, but additional data are needed to prove that conclusively. Therefore, this variant has been classified as Likely Pathogenic.

Natera, Inc.
Classification: Pathogenic for Wilson disease. Last evaluated: 2024-09-27. Review status: criteria provided, single submitter. Criteria: Natera Variant Classification Schema (03/2026). Collection method: clinical testing. Allele origin: germline.
Comment: The c.3412+1G>A variant in ATP7B is a canonical splice donor site variant predicted to affect pre-mRNA splicing, which may result in an abnormal transcript and altered protein product. This variant is expected to result in nonsense mediated decay, truncation, or a dysfunctional protein product. This variant is rare in the general population with a frequency below the threshold expected for the associated phenotype(s). This variant has been observed in one or more individuals affected with the associated recessive disease, as either homozygous or compound heterozygous with a second variant (PMID: 24094725). Given the available evidence, this variant is classified as Pathogenic.

Neuberg Centre For Genomic Medicine, NCGM
Classification: Likely pathogenic for Wilson disease. Last evaluated: 2023-06-22. Review status: criteria provided, single submitter. Criteria: ACMG Guidelines, 2015. Collection method: clinical testing. Allele origin: germline. Inheritance: Autosomal recessive inheritance. Affected: yes.
Comment: The observed splice donor c.3412+1G>A variant in ATP7B gene has been reported previously in homozygous or compound heterozygous state in individual(s) affected with Wilson disease (Gupta et al., 2007). This variant is absent in gnomAD Exomes. This variant has been reported to the ClinVar database as Likely Pathogenic. The variant affects the GT donor splice site downstream of exon 15. This variant is predicted to cause loss of normal protein function through protein truncation. Loss of function variants have been previously reported to be disease causing (Wang et al., 2023). The spliceAI tool predicts that this splice site variant is damaging. For these reasons, this variant has been classified as Likely Pathogenic.

Mayo Clinic Laboratories, Mayo Clinic
Classification: Pathogenic. Last evaluated: 2023-02-28. Review status: criteria provided, single submitter. Criteria: ACMG Guidelines, 2015. Collection method: clinical testing. Allele origin: germline. Observed: 1 variant allele.
Comment: PP4, PM2, PM3, PVS1

Women's Health and Genetics/Laboratory Corporation of America, LabCorp
Classification: Likely pathogenic for Wilson disease. Last evaluated: 2021-12-20. Review status: criteria provided, single submitter. Criteria: LabCorp Variant Classification Summary - May 2015. Collection method: clinical testing. Allele origin: germline.
Comment: Variant summary: ATP7B c.3412+1G>A is located in a canonical splice-site and is predicted to affect mRNA splicing resulting in a significantly altered protein due to either exon skipping, shortening, or inclusion of intronic material. Several computational tools predict a significant impact on normal splicing: four predict the variant abolishes a 5 prime splicing donor site. However, these predictions have yet to be confirmed by functional studies. The variant was absent in 249198 control chromosomes. c.3412+1G>A has been reported in the literature in individuals affected with Wilson Disease (Gupta_2007, Bayazutdinova_2020). These data indicate that the variant may be associated with disease. To our knowledge, no experimental evidence demonstrating an impact on protein function has been reported. No clinical diagnostic laboratories have submitted clinical-significance assessments for this variant to ClinVar after 2014. Based on the evidence outlined above, the variant was classified as likely pathogenic.

Literature cited by the submitters: PubMed 16199547 (cited by Labcorp Genetics (formerly Invitae), Labcorp); PubMed 10441329 (cited by Labcorp Genetics (formerly Invitae), Labcorp); PubMed 16283883 (cited by Labcorp Genetics (formerly Invitae), Labcorp); PubMed 17823867 (cited by 3 submitters); PubMed 24094725 (cited by 4 submitters); PubMed 35753512 (cited by Labcorp Genetics (formerly Invitae), Labcorp); PubMed 31059521 (cited by Mayo Clinic Laboratories, Mayo Clinic and Women's Health and Genetics/Laboratory Corporation of America, LabCorp).

NM_000053.4(ATP7B):c.3412+1G>A

Gene: ATP7B (ATPase copper transporting beta; minus strand). Cytogenetic location: 13q14.3.
Variant type: single nucleotide variant.
Coding change: c.3412+1G>A on transcript NM_000053.4 (MANE Select); the canonical splice donor site of the intron after coding-DNA position 3412, G replaced by A.
Molecular consequence: splice donor variant.
Genome position (GRCh38, 1-based): chr13:51,942,385, C>T on the plus strand (G>A on the coding strand, the complement: ATP7B is on the minus strand). VCF-style: chr13-51942385-C-T. GRCh37 (hg19) VCF-style: chr13-52516521-C-T.
Other names: c.2926+1G>A (NM_001406541.1, NM_001406542.1); c.3160+1G>A (NM_001406531.1, NM_001406532.1, NM_001330579.2); c.3178+1G>A (NM_001406527.1, NM_001406528.1, NM_001406538.1 and 1 more transcripts); c.3073+1G>A (NM_001406537.1); c.3268+1G>A (NM_001406521.1, NM_001406522.1, NM_001406520.1); c.3406+1G>A (NM_001406513.1); c.3412+1G>A (NM_001406511.1, NM_001406512.1, NM_001406526.1); c.3064+1G>A (NM_001406543.1); and 19 more.
Identifiers: ClinVar variation 992208 (VCV000992208.8), dbSNP rs1957388064, ClinGen allele CA388027646.